The following is an entry in ClinVar:

NM_018191.4(RCBTB1):c.154A>C (p.Asn52His)

Gene: RCBTB1 (RCC1 and BTB domain containing protein 1; minus strand). Cytogenetic location: 13q14.2.
Variant type: single nucleotide variant.
Coding change: c.154A>C on transcript NM_018191.4 (MANE Select); coding-DNA position 154, A replaced by C.
Protein change: p.Asn52His; replaces asparagine 52 with histidine.
Molecular consequence: missense variant. On other transcripts: 5 prime UTR variant (1), non-coding transcript variant (2).
Genome position (GRCh38, 1-based): chr13:49,566,741, T>G on the plus strand (A>C on the coding strand, the complement: RCBTB1 is on the minus strand). VCF-style: chr13-49566741-T-G. GRCh37 (hg19) VCF-style: chr13-50140877-T-G.
Other names: c.154A>C, p.Asn52His (NM_001352500.2, NM_001352501.2, NM_001352502.2 and 3 more transcripts); c.-456A>C (NM_001352506.2); short protein forms N52H.
Identifiers: ClinVar variation 863079 (VCV000863079.7), dbSNP rs141367582, ClinGen allele CA6982972.

ClinVar aggregate classification (germline): Uncertain significance. Review status: criteria provided, multiple submitters, no conflicts (2 of 4 stars). 3 submissions from 3 submitters: Uncertain significance (3). Last evaluated 2025-11-10.

Allele frequency attached by ClinVar (database versions not stated): gnomAD exomes 0.00005 and 0.00008; ExAC 0.00007; gnomAD 0.00007; ESP Exome Variant Server 0.00008; TOPMed 0.00009.
gnomAD v4.1: 78 of 1,613,714 alleles (0.0048%); highest among the groups gnomAD compares: Admixed American, 0.027%; 1 homozygote.

Submissions (3):

Labcorp Genetics (formerly Invitae), Labcorp
Classification: Uncertain significance. Last evaluated: 2025-11-10. Review status: criteria provided, single submitter. Criteria: Invitae Variant Classification Sherloc (09022015). Collection method: clinical testing. Allele origin: germline.
Comment: This sequence change replaces asparagine, which is neutral and polar, with histidine, which is basic and polar, at codon 52 of the RCBTB1 protein (p.Asn52His). This variant is present in population databases (rs141367582, gnomAD 0.02%). This variant has not been reported in the literature in individuals affected with RCBTB1-related conditions. ClinVar contains an entry for this variant (Variation ID: 863079). Invitae Evidence Modeling of protein sequence and biophysical properties (such as structural, functional, and spatial information, amino acid conservation, physicochemical variation, residue mobility, and thermodynamic stability) indicates that this missense variant is not expected to disrupt RCBTB1 protein function with a negative predictive value of 80%. In summary, the available evidence is currently insufficient to determine the role of this variant in disease. Therefore, it has been classified as a Variant of Uncertain Significance.

Ambry Genetics
Classification: Uncertain significance. Last evaluated: 2023-12-20. Review status: criteria provided, single submitter. Criteria: Ambry Variant Classification Scheme 2023. Collection method: clinical testing. Allele origin: germline.

Blueprint Genetics
Classification: Uncertain significance. Last evaluated: 2023-10-24. Review status: criteria provided, single submitter. Criteria: ACMG Guidelines, 2015. Collection method: clinical testing. Allele origin: germline.